The following is an entry in ClinVar:

ClinVar aggregate classification (germline): Uncertain significance (1 of 4 stars; one submission).

Conditions:
Epilepsy, familial focal, with variable foci 3 (FFEVF3). Identifiers: MedGen C4310708, MONDO:0014925, OMIM 617118.

Submission:

Labcorp Genetics (formerly Invitae), Labcorp
Classification: Uncertain significance for Epilepsy, familial focal, with variable foci 3. Last evaluated: 2022-07-11. Review status: criteria provided, single submitter. Criteria: Invitae Variant Classification Sherloc (09022015). Collection method: clinical testing. Allele origin: germline.
Comment: In summary, the available evidence is currently insufficient to determine the role of this variant in disease. Therefore, it has been classified as a Variant of Uncertain Significance. Experimental studies and prediction algorithms are not available or were not evaluated, and the functional significance of this variant is currently unknown. ClinVar contains an entry for this variant (Variation ID: 850216). This variant has not been reported in the literature in individuals affected with NPRL3-related conditions. This variant is not present in population databases (gnomAD no frequency). This sequence change replaces lysine, which is basic and polar, with threonine, which is neutral and polar, at codon 76 of the NPRL3 protein (p.Lys76Thr).

NM_001077350.3(NPRL3):c.227A>C (p.Lys76Thr)

Genes: HBA-LCR (alpha-globin locus control region; plus strand), NPRL3 (NPR3 like, GATOR1 complex subunit; minus strand). Cytogenetic location: 16p13.3.
Variant type: single nucleotide variant.
Coding change: c.227A>C on transcript NM_001077350.3 (MANE Select); coding-DNA position 227, A replaced by C.
Protein change: p.Lys76Thr; replaces lysine 76 with threonine.
Molecular consequence: missense variant. On other transcripts: 5 prime UTR variant (1), intron variant (1).
Genome position (GRCh38, 1-based): chr16:119,217, T>G on the plus strand (A>C on the coding strand, the complement: NPRL3 is on the minus strand). VCF-style: chr16-119217-T-G. GRCh37 (hg19) VCF-style: chr16-169216-T-G.
Other names: c.-8A>C (NM_001243247.2); c.227A>C, p.Lys76Thr (NM_001243248.2, NM_001243249.2); c.-144-6442A>C (NM_001039476.3); short protein forms K76T.
Identifiers: ClinVar variation 850216 (VCV000850216.11), dbSNP rs1900182442, ClinGen allele CA393995525.
Genomic context (GRCh38, chr16:119,217, plus strand): 5'-TGCCCAACAAATCGCACATTATCAATCTTCAGTTCAAATTTTTGGCCACACATTTCAGAC[T>G]TGGTTGCCAAAATTGTTGCCAGAATAACATCTGAAAACCTTAAAATTTAAGAGAGGTAGA-3'
Protein context (NP_001070818.1, residues 66-86): DVILATILAT[Lys76Thr]SEMCGQKFEL